The following is an entry in ClinVar:

NM_014425.5(INVS):c.1808G>A (p.Arg603Gln)

Gene: INVS (inversin; plus strand). Cytogenetic location: 9q31.1.
Variant type: single nucleotide variant.
Coding change: c.1808G>A on transcript NM_014425.5 (MANE Select); coding-DNA position 1808, G replaced by A.
Protein change: p.Arg603Gln; replaces arginine 603 with glutamine.
Molecular consequence: missense variant. On other transcripts: non-coding transcript variant (1).
Genome position (GRCh38, 1-based): chr9:100,284,343, G>A. VCF-style: chr9-100284343-G-A. GRCh37 (hg19) VCF-style: chr9-103046625-G-A.
Other names: c.1520G>A, p.Arg507Gln (NM_001318381.2); c.830G>A, p.Arg277Gln (NM_001318382.2); short protein forms R507Q, R603Q, R277Q.
Identifiers: ClinVar variation 856494 (VCV000856494.9), dbSNP rs372596288, ClinGen allele CA5158494.
Genomic context (GRCh38, chr9:100,284,343, plus strand): 5'-TAAATTTTTTCATCTTCTTCTTTGGCTTTGCTTCCAGAAAGCGAGAGGAAGAAAACAAAC[G>A]AAAAGAGGCAGAACAGCAAAAAGGAAGGCGGAGCCCAGATTCCTGCAGACCCCAGGCCCT-3'
Protein context (NP_055240.2, residues 593-613): AAKKREEENK[Arg603Gln]KEAEQQKGRR

ClinVar aggregate classification (germline): Uncertain significance. Review status: criteria provided, multiple submitters, no conflicts (2 of 4 stars). 3 submissions from 3 submitters: Uncertain significance (3). Last evaluated 2023-05-23.

Conditions:
Nephronophthisis. Also called: Juvenile Nephronophthisis. Identifiers: Orphanet 655, MedGen C0687120, MONDO:0019005, HP:0000090.
Infantile nephronophthisis (NPHP2). Also called: Nephronophthisis 2; Nephronophthisis 2, infantile. Identifiers: Orphanet 655, Orphanet 93591, MedGen C1865872, MONDO:0011190, OMIM 602088.

Allele frequency attached by ClinVar (database versions not stated): gnomAD below 0.00001 and 0.00002; gnomAD exomes 0.00001 and 0.00004; TOPMed 0.00001; ExAC 0.00003.
gnomAD v4.1: 20 of 1,613,348 alleles (0.0012%); highest among the groups gnomAD compares: Middle Eastern, 0.15%; no homozygotes.

Submissions (3):

Blueprint Genetics
Classification: Uncertain significance. Last evaluated: 2023-05-23. Review status: criteria provided, single submitter. Criteria: ACMG Guidelines, 2015. Collection method: clinical testing. Allele origin: germline.

Labcorp Genetics (formerly Invitae), Labcorp
Classification: Uncertain significance for Nephronophthisis. Last evaluated: 2022-10-24. Review status: criteria provided, single submitter. Criteria: Invitae Variant Classification Sherloc (09022015). Collection method: clinical testing. Allele origin: germline.
Comment: This sequence change replaces arginine, which is basic and polar, with glutamine, which is neutral and polar, at codon 603 of the INVS protein (p.Arg603Gln). This variant is present in population databases (rs372596288, gnomAD 0.003%). This variant has not been reported in the literature in individuals affected with INVS-related conditions. ClinVar contains an entry for this variant (Variation ID: 856494). Algorithms developed to predict the effect of missense changes on protein structure and function are either unavailable or do not agree on the potential impact of this missense change (SIFT: "Deleterious"; PolyPhen-2: "Probably Damaging"; Align-GVGD: "Class C0"). In summary, the available evidence is currently insufficient to determine the role of this variant in disease. Therefore, it has been classified as a Variant of Uncertain Significance.

Fulgent Genetics
Classification: Uncertain significance for Infantile nephronophthisis. Last evaluated: 2021-08-06. Review status: criteria provided, single submitter. Criteria: ACMG Guidelines, 2015. Collection method: clinical testing. Allele origin: unknown.